The following is an entry in ClinVar:

NM_003383.5(VLDLR):c.2417-1G>A

Gene: VLDLR (very low density lipoprotein receptor; plus strand). Cytogenetic location: 9p24.2.
Variant type: single nucleotide variant.
Coding change: c.2417-1G>A on transcript NM_003383.5 (MANE Select); the canonical splice acceptor site of the intron before coding-DNA position 2417, G replaced by A.
Molecular consequence: splice acceptor variant.
Genome position (GRCh38, 1-based): chr9:2,652,779, G>A. VCF-style: chr9-2652779-G-A. GRCh37 (hg19) VCF-style: chr9-2652779-G-A.
Other names: c.2333-1G>A (NM_001018056.3); c.2294-1G>A (NM_001322225.2); c.2210-1G>A (NM_001322226.2).
Identifiers: ClinVar variation 3722097 (VCV003722097.2).

ClinVar aggregate classification (germline): Likely pathogenic (1 of 4 stars; one submission).

gnomAD v4.1: 1 of 1,613,790 alleles (0.000062%); highest among the groups gnomAD compares: Non-Finnish European, 0.000085%; no homozygotes.

Submission:

Labcorp Genetics (formerly Invitae), Labcorp
Classification: Likely pathogenic. Last evaluated: 2024-10-02. Review status: criteria provided, single submitter. Criteria: Invitae Variant Classification Sherloc (09022015). Collection method: clinical testing. Allele origin: germline.
Comment: This sequence change affects an acceptor splice site in intron 17 of the VLDLR gene. It is expected to disrupt RNA splicing. Variants that disrupt the donor or acceptor splice site typically lead to a loss of protein function (PMID: 16199547), and loss-of-function variants in VLDLR are known to be pathogenic (PMID: 18043714, 18326629, 22532556). This variant is not present in population databases (gnomAD no frequency). This variant has not been reported in the literature in individuals affected with VLDLR-related conditions. Algorithms developed to predict the effect of sequence changes on RNA splicing suggest that this variant may disrupt the consensus splice site. In summary, the currently available evidence indicates that the variant is pathogenic, but additional data are needed to prove that conclusively. Therefore, this variant has been classified as Likely Pathogenic.

Literature cited by the submitters: PubMed 16199547; PubMed 18043714; PubMed 18326629; PubMed 22532556.